The following is an entry in ClinVar:

ClinVar aggregate classification (germline): Uncertain significance (1 of 4 stars; one submission).

Allele frequency attached by ClinVar (database versions not stated): gnomAD exomes 0.00001 and 0.00002.
gnomAD v4.1: 4 of 1,614,012 alleles (0.00025%); highest among the groups gnomAD compares: Admixed American, 0.0067%; 1 homozygote.

Submission:

ARUP Laboratories, Molecular Genetics and Genomics, ARUP Laboratories
Classification: Uncertain significance. Last evaluated: 2020-03-10. Review status: criteria provided, single submitter. Criteria: ARUP Molecular Germline Variant Investigation Process. Collection method: clinical testing. Allele origin: germline.
Comment: The MEFV c.1234A>G; p.Ile412Val variant (rs1434076108), to our knowledge, is not reported in the medical literature or gene specific databases. This variant is found in the Latino population with an allele frequency of 0.012% (4/34572 alleles, including a single homozygote) in the Genome Aggregation Database. The isoleucine at codon 412 is highly conserved, and computational analyses (SIFT: tolerated, PolyPhen-2: possibly damaging) predict conflicting effects of this variant on protein structure/function. Due to limited information, the clinical significance of the p.Ile412Val variant is uncertain at this time.

NM_000243.3(MEFV):c.1234A>G (p.Ile412Val)

Gene: MEFV (MEFV innate immunity regulator, pyrin; minus strand). Cytogenetic location: 16p13.3.
Variant type: single nucleotide variant.
Coding change: c.1234A>G on transcript NM_000243.3 (MANE Select); coding-DNA position 1234, A replaced by G.
Protein change: p.Ile412Val; replaces isoleucine 412 with valine.
Molecular consequence: missense variant.
Genome position (GRCh38, 1-based): chr16:3,249,457, T>C on the plus strand (A>G on the coding strand, the complement: MEFV is on the minus strand). VCF-style: chr16-3249457-T-C. GRCh37 (hg19) VCF-style: chr16-3299457-T-C.
Other names: c.601A>G, p.Ile201Val (NM_001198536.2); short protein forms I201V, I412V.
Identifiers: ClinVar variation 994295 (VCV000994295.8), dbSNP rs1434076108, ClinGen allele CA394469284.